The following is an entry in ClinVar:

NM_002063.4(GLRA2):c.1099G>C (p.Glu367Gln)

Genes: FANCB (FA complementation group B; minus strand), GLRA2 (glycine receptor alpha 2; plus strand). Cytogenetic location: Xp22.2.
Variant type: single nucleotide variant.
Coding change: c.1099G>C on transcript NM_002063.4 (MANE Select); coding-DNA position 1099, G replaced by C.
Protein change: p.Glu367Gln; replaces glutamic acid 367 with glutamine.
Molecular consequence: missense variant.
Genome position (GRCh38, 1-based): chrX:14,730,225, G>C. VCF-style: chrX-14730225-G-C. GRCh37 (hg19) VCF-style: chrX-14748347-G-C.
Other names: c.1099G>C (NM_002063.3); c.1099G>C, p.Glu367Gln (NM_001118885.2, NM_001118886.2); c.832G>C, p.Glu278Gln (NM_001171942.2); short protein forms E278Q, E367Q.
Identifiers: ClinVar variation 2693355 (VCV002693355.4), dbSNP rs1264172847, ClinGen allele CA412435680.

ClinVar aggregate classification (germline): Uncertain significance. Review status: criteria provided, multiple submitters, no conflicts (2 of 4 stars). 2 submissions from 2 submitters: Uncertain significance (2). Last evaluated 2025-03-11.

Allele frequency attached by ClinVar (database versions not stated): gnomAD 0.00001; TOPMed 0.00002.
gnomAD v4.1: 1 of 1,201,396 alleles (0.000083%); highest among the groups gnomAD compares: African/African-American, 0.0018%; no homozygotes.

Submissions (2):

GeneDx
Classification: Uncertain significance. Last evaluated: 2025-03-11. Review status: criteria provided, single submitter. Criteria: GeneDx Variant Classification Process June 2021. Collection method: clinical testing. Allele origin: germline. Affected: yes.
Comment: Not observed at significant frequency in large population cohorts (gnomAD); In silico analysis indicates that this missense variant does not alter protein structure/function; Has not been previously published as pathogenic or benign to our knowledge

Labcorp Genetics (formerly Invitae), Labcorp
Classification: Uncertain significance. Last evaluated: 2023-11-05. Review status: criteria provided, single submitter. Criteria: Invitae Variant Classification Sherloc (09022015). Collection method: clinical testing. Allele origin: germline.
Comment: This sequence change replaces glutamic acid, which is acidic and polar, with glutamine, which is neutral and polar, at codon 367 of the GLRA2 protein (p.Glu367Gln). This variant is not present in population databases (gnomAD no frequency). This variant has not been reported in the literature in individuals affected with GLRA2-related conditions. An algorithm developed to predict the effect of missense changes on protein structure and function (PolyPhen-2) suggests that this variant is likely to be tolerated. In summary, the available evidence is currently insufficient to determine the role of this variant in disease. Therefore, it has been classified as a Variant of Uncertain Significance.